The following is an entry in ClinVar:

NM_021828.5(HPSE2):c.1337_1338del (p.Leu446fs)

Gene: HPSE2 (heparanase 2 (inactive); minus strand). Cytogenetic location: 10q24.2.
Variant type: Microsatellite.
Coding change: c.1337_1338del on transcript NM_021828.5 (MANE Select); coding-DNA positions 1337 to 1338, 2 bases deleted (TC; older notation c.1337_1338delTC).
Protein change: p.Leu446fs; shifts the reading frame from leucine 446.
Molecular consequence: frameshift variant.
Genome position (GRCh38, 1-based): chr10:98,490,179-98,490,180, GA deleted on the plus strand (TC on the coding strand, the reverse complement: HPSE2 is on the minus strand); deleting any 2 consecutive bases within chr10:98,490,179-98,490,187 gives the same sequence; the c. name uses the placement nearest the transcript's 3' end. VCF-style (leftmost placement, unchanged base first): chr10-98490178-GGA-G. GRCh37 (hg19) VCF-style: chr10-100249935-GGA-G.
Other names: c.1163_1164del, p.Leu388fs (NM_001166244.1); c.1001_1002del, p.Leu334fs (NM_001166245.1); c.1337_1338del, p.Leu446fs (NM_001166246.1); c.1337_1338delTC (NM_021828.5); short protein forms L334fs, L388fs, L446fs.
Identifiers: ClinVar variation 4849308 (VCV004849308.1).

ClinVar aggregate classification (germline): Likely pathogenic (1 of 4 stars; one submission).

Conditions:
Urofacial syndrome type 1. Also called: HPSE2-Related Urofacial Syndrome. Identifiers: Orphanet 2704, MedGen CN033872, MONDO:0009368, OMIM 236730.

Submission:

First Genomix Gene Laboratory, Genetic Diagnostics Department
Classification: Likely pathogenic for Urofacial syndrome type 1. Last evaluated: 2025-07-18. Review status: criteria provided, single submitter. Criteria: ACMG Guidelines, 2015. Collection method: clinical testing. Allele origin: germline. Inheritance: Autosomal recessive inheritance. Affected: no. Observed: 1 variant allele.